The following is an entry in ClinVar:

NM_001002010.5(NT5C3A):c.354+6C>A

Gene: NT5C3A (5'-nucleotidase, cytosolic IIIA; minus strand). Cytogenetic location: 7p14.3.
Variant type: single nucleotide variant.
Coding change: c.354+6C>A on transcript NM_001002010.5 (MANE Select); 6 bases into the intron after coding-DNA position 354, C replaced by A.
Molecular consequence: intron variant.
Genome position (GRCh38, 1-based): chr7:33,022,047, G>T on the plus strand (C>A on the coding strand, the complement: NT5C3A is on the minus strand). VCF-style: chr7-33022047-G-T. GRCh37 (hg19) VCF-style: chr7-33061659-G-T.
Other names: c.255+6C>A (NM_001374335.1); c.354+6C>A (NM_001374338.1); c.153+6C>A (NM_001374339.1); c.252+6C>A (NM_001002009.3, NM_016489.14, NM_016489.12); c.216+6C>A (NM_001374336.1, NM_001374337.1, NM_001166118.3 and 1 more transcripts).
Identifiers: ClinVar variation 1330602 (VCV001330602.10), dbSNP rs572060959, ClinGen allele CA4213465.
Genomic context (GRCh38, chr7:33,022,047, plus strand): 5'-AAGAAATTCTCAGGCAAAAAGGGTAATGAAGTCTTTGAGTGACTATAGATTGTTGTTAGT[G>T]TTTACCTTTTTTCTACATTCATCTGTAACCAGCTTACAGTTGTCAATGATATCTAAAGAT-3'

ClinVar aggregate classification (germline): Likely benign. Review status: criteria provided, multiple submitters, no conflicts (2 of 4 stars). 3 submissions from 3 submitters: Likely benign (2). 1 of the submissions does not count toward it. Last evaluated 2023-12-19.

Conditions:
NT5C3A-related disorder. Also called: NT5C3A-related condition.
Hemolytic anemia due to pyrimidine 5' nucleotidase deficiency (CNSHA8). Also called: HEMOLYTIC ANEMIA DUE TO P5N DEFICIENCY; HEMOLYTIC ANEMIA DUE TO UMPH1 DEFICIENCY; P5N DEFICIENCY; PYRIMIDINE 5-PRIME NUCLEOTIDASE DEFICIENCY, HEMOLYTIC ANEMIA DUE TO; UMPH1 DEFICIENCY. Identifiers: Orphanet 35120, MedGen C1849507, MONDO:0009946, OMIM 266120.

Allele frequency attached by ClinVar (database versions not stated): TOPMed 0.00001; gnomAD 0.00004; gnomAD exomes 0.00013; ExAC 0.00016; 1000 Genomes Project 30x 0.00031; 1000 Genomes Project 0.00040.
gnomAD v4.1: 95 of 1,492,464 alleles (0.0064%); highest among the groups gnomAD compares: South Asian, 0.1%; 1 homozygote.

Submissions (3):

Blueprint Genetics
Classification: Likely benign. Last evaluated: 2023-12-19. Review status: criteria provided, single submitter. Criteria: ACMG Guidelines, 2015. Collection method: clinical testing. Allele origin: germline.

ARUP Laboratories, Molecular Genetics and Genomics, ARUP Laboratories
Classification: Likely benign for Hemolytic anemia due to pyrimidine 5' nucleotidase deficiency. Last evaluated: 2021-03-09. Review status: criteria provided, single submitter. Criteria: ARUP Molecular Germline Variant Investigation Process 2021. Collection method: clinical testing. Allele origin: germline.

PreventionGenetics, part of Exact Sciences
Classification: Likely benign for NT5C3A-related condition. Last evaluated: 2019-06-28. Review status: no assertion criteria provided. Collection method: clinical testing. Allele origin: germline. Not counted in ClinVar's aggregate classification.
Comment: This variant is classified as likely benign based on ACMG/AMP sequence variant interpretation guidelines (Richards et al. 2015 PMID: 25741868, with internal and published modifications).